The following is an entry in ClinVar:

ClinVar aggregate classification (germline): Uncertain significance (1 of 4 stars; one submission).

Conditions:
Chédiak-Higashi syndrome (CHS). Also called: Chediak-Higashi Syndrome. Identifiers: Orphanet 167, MedGen C0007965, MONDO:0008963, OMIM 214500.

gnomAD v4.1: 4 of 1,614,224 alleles (0.00025%); highest among the groups gnomAD compares: East Asian, 0.0045%; no homozygotes.

Submission:

Labcorp Genetics (formerly Invitae), Labcorp
Classification: Uncertain significance for Chédiak-Higashi syndrome. Last evaluated: 2022-05-23. Review status: criteria provided, single submitter. Criteria: Invitae Variant Classification Sherloc (09022015). Collection method: clinical testing. Allele origin: germline.
Comment: This sequence change replaces isoleucine, which is neutral and non-polar, with threonine, which is neutral and polar, at codon 3429 of the LYST protein (p.Ile3429Thr). This variant is not present in population databases (gnomAD no frequency). This variant has not been reported in the literature in individuals affected with LYST-related conditions. Algorithms developed to predict the effect of missense changes on protein structure and function (SIFT, PolyPhen-2, Align-GVGD) all suggest that this variant is likely to be tolerated. In summary, the available evidence is currently insufficient to determine the role of this variant in disease. Therefore, it has been classified as a Variant of Uncertain Significance.

NM_000081.4(LYST):c.10286T>C (p.Ile3429Thr)

Gene: LYST (lysosomal trafficking regulator; minus strand). Cytogenetic location: 1q42.3.
Variant type: single nucleotide variant.
Coding change: c.10286T>C on transcript NM_000081.4 (MANE Select); coding-DNA position 10286, T replaced by C.
Protein change: p.Ile3429Thr; replaces isoleucine 3429 with threonine.
Molecular consequence: missense variant.
Genome position (GRCh38, 1-based): chr1:235,702,835, A>G on the plus strand (T>C on the coding strand, the complement: LYST is on the minus strand). VCF-style: chr1-235702835-A-G. GRCh37 (hg19) VCF-style: chr1-235866135-A-G.
Other names: c.10286T>C, p.Ile3429Thr (NM_001301365.1); short protein forms I3429T.
Identifiers: ClinVar variation 1925603 (VCV001925603.2), dbSNP rs760815034, ClinGen allele CA344931415.
Genomic context (GRCh38, chr1:235,702,835, plus strand): 5'-CGGGTCTCCCTGAAAGCAAACTGCACTAGCAACCCCACAGCAGCTGGAAGCTCTCCTTCA[A>G]TATTGAGCTTGGCTCCAGGTCTGCTCACATGGGCCATGTGGAACAGCTGACGGGGAGTCT-3'
Protein context (NP_000072.2, residues 3419-3439): HVSRPGAKLN[Ile3429Thr]EGELPAAVGL